The following is an entry in ClinVar:

NM_014915.3(ANKRD26):c.4222G>A (p.Asp1408Asn)

Gene: ANKRD26 (ankyrin repeat domain containing 26; minus strand). Cytogenetic location: 10p12.1.
Variant type: single nucleotide variant.
Coding change: c.4222G>A on transcript NM_014915.3 (MANE Select); coding-DNA position 4222, G replaced by A.
Protein change: p.Asp1408Asn; replaces aspartic acid 1408 with asparagine.
Molecular consequence: missense variant.
Genome position (GRCh38, 1-based): chr10:27,017,786, C>T on the plus strand (G>A on the coding strand, the complement: ANKRD26 is on the minus strand). VCF-style: chr10-27017786-C-T. GRCh37 (hg19) VCF-style: chr10-27306715-C-T.
Other names: c.4219G>A, p.Asp1407Asn (NM_001256053.2); short protein forms D1407N, D1408N.
Identifiers: ClinVar variation 3914470 (VCV003914470.1).
Genomic context (GRCh38, chr10:27,017,786, plus strand): 5'-GGTTCTTTGTATCCAGATGTAGACATTTTGAACCTGCAGTCTCCAGTTCTGCTGTAAGAT[C>T]ATCAATCTGAATGAAGACAATAATATAGTGTAATAATGAAGGAAGTAGCCTGAGAATAGC-3'
Protein context (NP_055730.2, residues 1398-1418): QINKLKHKID[Asp1408Asn]LTAELETAGS

ClinVar aggregate classification (germline): Uncertain significance (1 of 4 stars; one submission).

Conditions:
Inborn genetic diseases. Identifiers: MedGen C0950123, MeSH D030342.

gnomAD v4.1: 1 of 1,612,102 alleles (0.000062%); highest among the groups gnomAD compares: Non-Finnish European, 0.000085%; no homozygotes.

Submission:

Ambry Genetics
Classification: Uncertain significance for Inborn genetic diseases. Last evaluated: 2025-05-16. Review status: criteria provided, single submitter. Criteria: Ambry Variant Classification Scheme 2023. Collection method: clinical testing. Allele origin: germline.
Comment: The p.D1408N variant (also known as c.4222G>A), located in coding exon 30 of the ANKRD26 gene, results from a G to A substitution at nucleotide position 4222. The aspartic acid at codon 1408 is replaced by asparagine, an amino acid with highly similar properties. This amino acid position is conserved. In addition, this alteration is predicted to be tolerated by in silico analysis. Based on the available evidence, the clinical significance of this variant remains unclear.